The following is an entry in ClinVar:

ClinVar aggregate classification (germline): Uncertain significance (1 of 4 stars; one submission).

Submission:

GeneDx
Classification: Uncertain significance. Last evaluated: 2026-07-12. Review status: criteria provided, single submitter. Criteria: GeneDx Variant Classification Process June 2021. Collection method: clinical testing. Allele origin: germline.
Comment: Not observed at significant frequency in large population cohorts (gnomAD); Frameshift variant predicted to result in abnormal protein length as the last 107 amino acids are replaced with 35 different amino acids; Has not been previously published as pathogenic or benign to our knowledge

NM_007348.4(ATF6):c.1690_1691dup (p.Asp564fs)

Gene: ATF6 (activating transcription factor 6; plus strand). Cytogenetic location: 1q23.3.
Variant type: Microsatellite.
Coding change: c.1690_1691dup on transcript NM_007348.4 (MANE Select); coding-DNA positions 1690 to 1691, 2 bases duplicated (GA; older notation c.1690_1691dupGA).
Protein change: p.Asp564fs; shifts the reading frame from aspartic acid 564.
Molecular consequence: frameshift variant.
Genome position (GRCh38, 1-based): chr1:161,863,283-161,863,284, GA duplicated; duplicating any 2 consecutive bases within chr1:161,863,281-161,863,284 gives the same sequence; the c. name uses the placement nearest the transcript's 3' end. VCF-style (leftmost placement, unchanged base first): chr1-161863280-G-GGA. GRCh37 (hg19) VCF-style: chr1-161833070-G-GGA.
Other names: c.1687_1688dup, p.Asp563fs (NM_001410890.1); short protein forms D563fs, D564fs.
Identifiers: ClinVar variation 3363213 (VCV003363213.2).